The following is an entry in ClinVar:

NM_020800.3(IFT80):c.286G>A (p.Gly96Arg)

Genes: TRIM59-IFT80 (TRIM59-IFT80 readthrough (NMD candidate); minus strand), IFT80 (intraflagellar transport 80; minus strand). Cytogenetic location: 3q25.33.
Variant type: single nucleotide variant.
Coding change: c.286G>A on transcript NM_020800.3 (MANE Select); coding-DNA position 286, G replaced by A.
Protein change: p.Gly96Arg; replaces glycine 96 with arginine.
Molecular consequence: missense variant. On other transcripts: non-coding transcript variant (2), 5 prime UTR variant (2).
Genome position (GRCh38, 1-based): chr3:160,377,514, C>T on the plus strand (G>A on the coding strand, the complement: IFT80 is on the minus strand). VCF-style: chr3-160377514-C-T. GRCh37 (hg19) VCF-style: chr3-160095302-C-T.
Other names: c.-126G>A (NM_001190241.2, NM_001190242.2); short protein forms G96R.
Identifiers: ClinVar variation 1402596 (VCV001402596.5), dbSNP rs760332663, ClinGen allele CA2685534.

ClinVar aggregate classification (germline): Uncertain significance (1 of 4 stars; one submission).

Conditions:
Jeune thoracic dystrophy. Also called: Short-rib thoracic dysplasia; Jeune syndrome; Infantile thoracic dystrophy; Thoracic pelvic phalangeal dystrophy; Jeune's syndrome; Chondroectodermal dysplasia-like syndrome. Identifiers: Orphanet 474, MedGen C0265275, MONDO:0018770.

Allele frequency attached by ClinVar (database versions not stated): ExAC 0.00002; gnomAD exomes 0.00002; TOPMed 0.00002.
gnomAD v4.1: 8 of 1,605,098 alleles (0.0005%); highest among the groups gnomAD compares: East Asian, 0.013%; no homozygotes.

Submission:

Labcorp Genetics (formerly Invitae), Labcorp
Classification: Uncertain significance for Jeune thoracic dystrophy. Last evaluated: 2022-01-26. Review status: criteria provided, single submitter. Criteria: Invitae Variant Classification Sherloc (09022015). Collection method: clinical testing. Allele origin: germline.
Comment: This sequence change replaces glycine, which is neutral and non-polar, with arginine, which is basic and polar, at codon 96 of the IFT80 protein (p.Gly96Arg). This variant is present in population databases (rs760332663, gnomAD 0.03%). This variant has not been reported in the literature in individuals affected with IFT80-related conditions. Algorithms developed to predict the effect of missense changes on protein structure and function (SIFT, PolyPhen-2, Align-GVGD) all suggest that this variant is likely to be disruptive. In summary, the available evidence is currently insufficient to determine the role of this variant in disease. Therefore, it has been classified as a Variant of Uncertain Significance.